The following is an entry in ClinVar:

NM_001305581.2(LRMDA):c.664C>T (p.Arg222Ter)

Gene: LRMDA (leucine rich melanocyte differentiation associated; plus strand). Cytogenetic location: 10q22.3.
Variant type: single nucleotide variant.
Coding change: c.664C>T on transcript NM_001305581.2 (MANE Select); coding-DNA position 664, C replaced by T.
Protein change: p.Arg222Ter; replaces arginine 222 with a stop codon.
Molecular consequence: nonsense. On other transcripts: non-coding transcript variant (1).
Genome position (GRCh38, 1-based): chr10:76,557,271, C>T. VCF-style: chr10-76557271-C-T. GRCh37 (hg19) VCF-style: chr10-78317029-C-T.
Other names: c.580C>T, p.Arg194Ter (NM_032024.5); short protein forms R194*, R222*.
Identifiers: ClinVar variation 41916 (VCV000041916.8), dbSNP rs587776952, ClinGen allele CA130906.

ClinVar aggregate classification (germline): Likely pathogenic. Review status: criteria provided, single submitter (1 of 4 stars). 4 submissions from 4 submitters: Likely pathogenic (1). 3 of the submissions do not count toward it. Last evaluated 2025-02-17.

Conditions:
Oculocutaneous albinism type 7. Also called: Albinism, oculocutaneous, type VII. Identifiers: Orphanet 352745, MedGen C3808786, MONDO:0014070, OMIM 615179.

Allele frequency attached by ClinVar (database versions not stated): gnomAD exomes 0.00002; TOPMed 0.00005; gnomAD 0.00006 and 0.00007; ExAC 0.00002.
gnomAD v4.1: 35 of 1,613,710 alleles (0.0022%); highest among the groups gnomAD compares: African/African-American, 0.016%; no homozygotes.

Submissions (4):

Labcorp Genetics (formerly Invitae), Labcorp
Classification: Likely pathogenic. Last evaluated: 2025-02-17. Review status: criteria provided, single submitter. Criteria: Invitae Variant Classification Sherloc (09022015). Collection method: clinical testing. Allele origin: germline.
Comment: This sequence change creates a premature translational stop signal (p.Arg194*) in the C10orf11 gene. While this is not anticipated to result in nonsense mediated decay, it is expected to disrupt the last 5 amino acid(s) of the C10orf11 protein. This variant is present in population databases (rs587776952, gnomAD 0.02%). This premature translational stop signal has been observed in individual(s) with albinism (PMID: 23395477). It has also been observed to segregate with disease in related individuals. ClinVar contains an entry for this variant (Variation ID: 41916). Algorithms developed to predict the effect of variants on gene product structure and function are not available or were not evaluated for this variant. Experimental studies have shown that this premature translational stop signal affects C10orf11 function (PMID: 23395477). In summary, the currently available evidence indicates that the variant is pathogenic, but additional data are needed to prove that conclusively. Therefore, this variant has been classified as Likely Pathogenic.

OMIM
Classification: Pathogenic for ALBINISM, OCULOCUTANEOUS, TYPE VII. Last evaluated: 2013-03-07. Review status: no assertion criteria provided. Collection method: literature only. Allele origin: germline. Not counted in ClinVar's aggregate classification.

Clinical Genetics DNA and cytogenetics Diagnostics Lab, Erasmus MC, Erasmus Medical Center
Classification: Pathogenic. Review status: no assertion criteria provided. Collection method: clinical testing. Allele origin: germline. Affected: yes. Study: VKGL Data-share Consensus. Not counted in ClinVar's aggregate classification.

Clinical Genetics, Academic Medical Center
Classification: Likely pathogenic. Review status: no assertion criteria provided. Collection method: clinical testing. Allele origin: germline. Affected: yes. Study: VKGL Data-share Consensus. Not counted in ClinVar's aggregate classification.

Literature cited by the submitters: PubMed 23395477 (cited by Labcorp Genetics (formerly Invitae), Labcorp and OMIM).